The following is an entry in ClinVar:

NM_000138.5(FBN1):c.529T>C (p.Cys177Arg)

Gene: FBN1 (fibrillin 1; minus strand). Cytogenetic location: 15q21.1.
Variant type: single nucleotide variant.
Coding change: c.529T>C on transcript NM_000138.5 (MANE Select); coding-DNA position 529, T replaced by C.
Protein change: p.Cys177Arg; replaces cysteine 177 with arginine.
Molecular consequence: missense variant.
Genome position (GRCh38, 1-based): chr15:48,596,292, A>G on the plus strand (T>C on the coding strand, the complement: FBN1 is on the minus strand). VCF-style: chr15-48596292-A-G. GRCh37 (hg19) VCF-style: chr15-48888489-A-G.
Other names: short protein forms C177R.
Identifiers: ClinVar variation 42380 (VCV000042380.4), dbSNP rs363853, ClinGen allele CA015756.
Genomic context (GRCh38, chr15:48,596,292, plus strand): 5'-CAGCTTTAGGTACCAGCATGTCTTTACGTAAATGATTTTAAAAACCATTACCTCTTTCAC[A>G]CTGGGGTCCAGTAAATCCGTAAGTGCATGCACATCGATTTGGGGCCACACACCTTCCTCC-3'
Protein context (NP_000129.3, residues 167-187): ACTYGFTGPQ[Cys177Arg]ERDYRTGPCF

ClinVar aggregate classification (germline): Likely pathogenic (1 of 4 stars; one submission).

Conditions:
Marfan syndrome (MFS). Also called: FBN1-Related Marfan Syndrome; Marfan syndrome, classic; MARFAN SYNDROME, TYPE I; Marfan syndrome type 1; Marfan's syndrome. Identifiers: Orphanet 284963, Orphanet 558, MedGen C0024796, MONDO:0007947, OMIM 154700.

Submission:

Laboratory for Molecular Medicine, Mass General Brigham Personalized Medicine
Classification: Likely pathogenic for Marfan syndrome. Last evaluated: 2012-10-04. Review status: criteria provided, single submitter. Criteria: LMM Criteria. Collection method: clinical testing. Allele origin: germline. Observed: 1 variant allele.
Comment: In addition, two different amino acid changes have been reported at the same residue (p.Cys177Ser and p.Cys177Tyr) in two individuals with clinical features of Marfan syndrome (Attanasio 2008), suggesting that changes at this position ma y not be tolerated. This variant impacts a cysteine residue and cysteine substit utions in the calcium-binding EGF-like domains represent the majority of pathoge nic missense changes associated with Marfan syndrome. Computational prediction t ools and conservation analysis are consistent with pathogenicity. In summary, al though additional studies are required to fully establish its clinical significa nce, the p.Cys177Arg variant is likely pathogenic. ACMG/AMP Criteria applied: PM 1, PM2, PM6, PP3, PS4_Supporting.

Literature cited by the submitters: PubMed 16222657; PubMed 18435798; PubMed 10486319; PubMed 27611364; PubMed 25525159.